The following is an entry in ClinVar:

NM_000302.4(PLOD1):c.1760A>C (p.Asn587Thr)

Gene: PLOD1 (procollagen-lysine,2-oxoglutarate 5-dioxygenase 1; plus strand). Cytogenetic location: 1p36.22.
Variant type: single nucleotide variant.
Coding change: c.1760A>C on transcript NM_000302.4 (MANE Select); coding-DNA position 1760, A replaced by C.
Protein change: p.Asn587Thr; replaces asparagine 587 with threonine.
Molecular consequence: missense variant.
Genome position (GRCh38, 1-based): chr1:11,970,674, A>C. VCF-style: chr1-11970674-A-C. GRCh37 (hg19) VCF-style: chr1-12030731-A-C.
Other names: c.1901A>C, p.Asn634Thr (NM_001316320.2); short protein forms N587T, N634T.
Identifiers: ClinVar variation 3603181 (VCV003603181.2).

ClinVar aggregate classification (germline): Uncertain significance. Review status: criteria provided, multiple submitters, no conflicts (2 of 4 stars). 2 submissions from 2 submitters: Uncertain significance (2). Last evaluated 2025-03-23.

Conditions:
Familial thoracic aortic aneurysm and aortic dissection (TAAD). Also called: Thoracic aortic aneurysms and dissections. Identifiers: Orphanet 91387, MedGen C4707243, MONDO:0019625.

gnomAD v4.1: 8 of 1,613,090 alleles (0.0005%); no homozygotes.

Submissions (2):

Ambry Genetics
Classification: Uncertain significance for Familial thoracic aortic aneurysm and aortic dissection. Last evaluated: 2025-03-23. Review status: criteria provided, single submitter. Criteria: Ambry Variant Classification Scheme 2023. Collection method: clinical testing. Allele origin: germline.
Comment: The p.N587T variant (also known as c.1760A>C), located in coding exon 17 of the PLOD1 gene, results from an A to C substitution at nucleotide position 1760. The asparagine at codon 587 is replaced by threonine, an amino acid with similar properties. This amino acid position is conserved. In addition, this alteration is predicted to be tolerated by in silico analysis. Based on the available evidence, the clinical significance of this variant remains unclear.

GeneDx
Classification: Uncertain significance. Last evaluated: 2024-08-05. Review status: criteria provided, single submitter. Criteria: GeneDx Variant Classification Process June 2021. Collection method: clinical testing. Allele origin: germline. Affected: yes.
Comment: Not observed at significant frequency in large population cohorts (gnomAD); In silico analysis indicates that this missense variant does not alter protein structure/function; Has not been previously published as pathogenic or benign to our knowledge